The following is an entry in ClinVar:

NM_198576.4(AGRN):c.658G>C (p.Glu220Gln)

Genes: AGRN (agrin; plus strand), LOC129929077 (ATAC-STARR-seq lymphoblastoid silent region 23; plus strand). Cytogenetic location: 1p36.33.
Variant type: single nucleotide variant.
Coding change: c.658G>C on transcript NM_198576.4 (MANE Select); coding-DNA position 658, G replaced by C.
Protein change: p.Glu220Gln; replaces glutamic acid 220 with glutamine.
Molecular consequence: missense variant.
Genome position (GRCh38, 1-based): chr1:1,040,811, G>C. VCF-style: chr1-1040811-G-C. GRCh37 (hg19) VCF-style: chr1-976191-G-C.
Other names: c.658G>C, p.Glu220Gln (NM_001305275.2); c.343G>C, p.Glu115Gln (NM_001364727.2); short protein forms E115Q, E220Q.
Identifiers: ClinVar variation 1361424 (VCV001361424.8), dbSNP rs2100629952, ClinGen allele CA337822497.

ClinVar aggregate classification (germline): Uncertain significance (1 of 4 stars; one submission).

Conditions:
Congenital myasthenic syndrome 8. Also called: MYASTHENIC SYNDROME, CONGENITAL, DUE TO AGRIN DEFICIENCY; Myasthenic syndrome, congenital, 8, with pre- and postsynaptic defects. Identifiers: Orphanet 590, MedGen C3808739, MONDO:0014052, OMIM 615120.

Submission:

Labcorp Genetics (formerly Invitae), Labcorp
Classification: Uncertain significance for Congenital myasthenic syndrome 8. Last evaluated: 2022-06-27. Review status: criteria provided, single submitter. Criteria: Invitae Variant Classification Sherloc (09022015). Collection method: clinical testing. Allele origin: germline.
Comment: This sequence change replaces glutamic acid, which is acidic and polar, with glutamine, which is neutral and polar, at codon 220 of the AGRN protein (p.Glu220Gln). In summary, the available evidence is currently insufficient to determine the role of this variant in disease. Therefore, it has been classified as a Variant of Uncertain Significance. Algorithms developed to predict the effect of missense changes on protein structure and function are either unavailable or do not agree on the potential impact of this missense change (SIFT: "Deleterious"; PolyPhen-2: "Benign"; Align-GVGD: "Class C0"). This variant has not been reported in the literature in individuals affected with AGRN-related conditions. This variant is not present in population databases (gnomAD no frequency).